The following is an entry in ClinVar:

NM_000528.4(MAN2B1):c.2600del (p.Pro867fs)

Gene: MAN2B1 (mannosidase alpha class 2B member 1; minus strand). Cytogenetic location: 19p13.13.
Variant type: Deletion.
Coding change: c.2600del on transcript NM_000528.4 (MANE Select); coding-DNA position 2600, one base deleted (C; older notation c.2600delC).
Protein change: p.Pro867fs; shifts the reading frame from proline 867.
Molecular consequence: frameshift variant.
Genome position (GRCh38, 1-based): chr19:12,648,239, G deleted on the plus strand (C on the coding strand, the reverse complement: MAN2B1 is on the minus strand); the first of 4 consecutive G bases (chr19:12,648,239-12,648,242); deleting any one gives the same sequence. VCF-style (leftmost placement, unchanged base first): chr19-12648238-AG-A. GRCh37 (hg19) VCF-style: chr19-12759052-AG-A.
Other names: c.2597del, p.Pro866fs (NM_001173498.2); short protein forms P866fs, P867fs.
Identifiers: ClinVar variation 1724540 (VCV001724540.2), dbSNP rs2023743942, ClinGen allele CA2323499109.

ClinVar aggregate classification (germline): Likely pathogenic (1 of 4 stars; one submission).

Conditions:
Deficiency of alpha-mannosidase (MANSA). Also called: Mannosidosis, alpha-, types I and II; LYSOSOMAL ALPHA-D-MANNOSIDASE DEFICIENCY; Alpha-Mannosidosis. Identifiers: Orphanet 61, MedGen C0024748, MONDO:0009561, OMIM 248500.

Submission:

Myriad Genetics, Inc.
Classification: Likely pathogenic for Deficiency of alpha-mannosidase. Last evaluated: 2022-02-19. Review status: criteria provided, single submitter. Criteria: Myriad Women's Health Autosomal Recessive and X-Linked Classification Criteria (2021). Collection method: clinical testing. Allele origin: unknown.
Comment: NM_000528.3(MAN2B1):c.2600delC(P867Lfs*57) is expected to be pathogenic in the context of alpha-mannosidosis. This variant is predicted to lead to an abnormal or absent protein product due to the creation of a premature termination codon in MAN2B1, a gene where loss-of-function variants are known to be pathogenic. Please note: this variant was assessed in the context of healthy population screening.